The following is an entry in ClinVar:

NM_001184880.2(PCDH19):c.1145del (p.Gly382fs)

Gene: PCDH19 (protocadherin 19; minus strand). Cytogenetic location: Xq22.1.
Variant type: Deletion.
Coding change: c.1145del on transcript NM_001184880.2 (MANE Select); coding-DNA position 1145, one base deleted (G; older notation c.1145delG).
Protein change: p.Gly382fs; shifts the reading frame from glycine 382.
Molecular consequence: frameshift variant.
Genome position (GRCh38, 1-based): chrX:100,407,453, C deleted on the plus strand (G on the coding strand, the reverse complement: PCDH19 is on the minus strand); the first of 2 consecutive C bases (chrX:100,407,453-100,407,454); deleting either gives the same sequence. VCF-style (leftmost placement, unchanged base first): chrX-100407452-TC-T. GRCh37 (hg19) VCF-style: chrX-99662450-TC-T.
Other names: c.1145del, p.Gly382fs (NM_001105243.2, NM_020766.3); short protein forms G382fs.
Identifiers: ClinVar variation 949455 (VCV000949455.8), dbSNP rs1928406047, ClinGen allele CA1139667043.

ClinVar aggregate classification (germline): Pathogenic (1 of 4 stars; one submission).

Conditions:
Developmental and epileptic encephalopathy, 9 (DEE9). Also called: Early infantile epileptic encephalopathy 9; EPILEPSY, FEMALE-RESTRICTED, WITH MENTAL RETARDATION; JUBERG-HELLMAN SYNDROME; PCDH19-Related X-Linked Female-Limited Epilepsy with Mental Retardation. Identifiers: Orphanet 101039, Orphanet 2076, MedGen C1848137, MONDO:0010246, OMIM 300088. Disease mechanism: loss of function.

Submission:

Labcorp Genetics (formerly Invitae), Labcorp
Classification: Pathogenic for Developmental and epileptic encephalopathy, 9. Last evaluated: 2019-06-15. Review status: criteria provided, single submitter. Criteria: Invitae Variant Classification Sherloc (09022015). Collection method: clinical testing. Allele origin: germline.
Comment: This sequence change creates a premature translational stop signal (p.Gly382Aspfs*187) in the PCDH19 gene. It is expected to result in an absent or disrupted protein product. For these reasons, this variant has been classified as Pathogenic. Loss-of-function variants in PCDH19 are known to be pathogenic (PMID: 21053371). This variant has not been reported in the literature in individuals with PCDH19-related conditions. This variant is not present in population databases (ExAC no frequency).

Literature cited by the submitters: PubMed 21053371.